The following is an entry in ClinVar:

NM_000245.4(MET):c.1056T>C (p.Asp352=)

Gene: MET (MET proto-oncogene, receptor tyrosine kinase; plus strand). Cytogenetic location: 7q31.2.
Variant type: single nucleotide variant.
Coding change: c.1056T>C on transcript NM_000245.4 (MANE Select); coding-DNA position 1056, T replaced by C.
Protein change: p.Asp352=; no amino-acid change (aspartic acid 352 retained).
Molecular consequence: synonymous variant. On other transcripts: intron variant (1).
Genome position (GRCh38, 1-based): chr7:116,700,140, T>C. VCF-style: chr7-116700140-T-C. GRCh37 (hg19) VCF-style: chr7-116340194-T-C.
Other names: c.1056T>C, p.Asp352= (NM_001127500.3, NM_001324401.3); c.-91+27563T>C (NM_001324402.2); c.1056T>C (NM_001127500.2).
Identifiers: ClinVar variation 3232897 (VCV003232897.3), dbSNP rs2116604421, ClinGen allele CA457448279.

ClinVar aggregate classification (germline): Conflicting classifications of pathogenicity. Review status: criteria provided, conflicting classifications (1 of 4 stars). 3 submissions from 3 submitters: Uncertain significance (1); Benign (1); Likely benign (1). Last evaluated 2024-11-20.

Conditions:
Papillary renal cell carcinoma type 1 (RCCP1). Also called: RENAL CELL CARCINOMA, PAPILLARY, 1, SOMATIC; Renal adenocarcinoma; Renal cell carcinoma 1; Renal cell carcinoma, somatic. Identifiers: Orphanet 47044, MedGen C1336839, OMIM 605074, HP:0011797.
Hereditary cancer-predisposing syndrome. Also called: Neoplastic Syndromes, Hereditary; Tumor predisposition; Hereditary neoplastic syndrome; Hereditary Cancer Syndrome. Identifiers: Orphanet 140162, MedGen C0027672, MeSH D009386, MONDO:0015356.

Submissions (3):

Quest Diagnostics Nichols Institute San Juan Capistrano
Classification: Uncertain significance. Last evaluated: 2024-11-20. Review status: criteria provided, single submitter. Criteria: Quest Diagnostics criteria. Collection method: clinical testing. Allele origin: unknown.
Comment: The MET c.1056T>C (p.Asp352=) synonymous variant has not been reported in individuals with MET-related conditions in the published literature. It also has not been reported in large, multi-ethnic general populations (Genome Aggregation Database). Analysis of this variant using software algorithms for the prediction of the effect of nucleotide changes on splicing yielded predictions that this variant does not affect MET mRNA splicing. Based on the available information, we are unable to determine the clinical significance of this variant.

Myriad Genetics, Inc.
Classification: Benign for Papillary renal cell carcinoma type 1. Last evaluated: 2024-11-07. Review status: criteria provided, single submitter. Criteria: Myriad Autosomal Dominant, Autosomal Recessive and X-Linked Classification Criteria (2023). Collection method: clinical testing. Allele origin: unknown.
Comment: This variant is considered benign. This variant is a silent/synonymous amino acid change and it is not expected to impact splicing.

Ambry Genetics
Classification: Likely benign for Hereditary cancer-predisposing syndrome. Last evaluated: 2024-03-02. Review status: criteria provided, single submitter. Criteria: Ambry Variant Classification Scheme 2023. Collection method: clinical testing. Allele origin: germline.